The following is an entry in ClinVar:

NM_000110.4(DPYD):c.681-8C>T

Gene: DPYD (dihydropyrimidine dehydrogenase; minus strand). Cytogenetic location: 1p21.3.
Variant type: single nucleotide variant.
Coding change: c.681-8C>T on transcript NM_000110.4 (MANE Select); 8 bases into the intron before coding-DNA position 681, C replaced by T.
Molecular consequence: intron variant.
Genome position (GRCh38, 1-based): chr1:97,691,806, G>A on the plus strand (C>T on the coding strand, the complement: DPYD is on the minus strand). VCF-style: chr1-97691806-G-A. GRCh37 (hg19) VCF-style: chr1-98157362-G-A.
Identifiers: ClinVar variation 585804 (VCV000585804.13), dbSNP rs74774246, ClinGen allele CA963583.

ClinVar aggregate classification (germline): Benign/Likely benign. Review status: criteria provided, multiple submitters, no conflicts (2 of 4 stars). 5 submissions from 5 submitters: Benign (2); Likely benign (2). 1 of the submissions does not count toward it. Last evaluated 2023-04-11.

Conditions:
DPYD-related disorder. Also called: DPYD-related condition.
Dihydropyrimidine dehydrogenase deficiency (DPYDD). Also called: Hereditary Thymine-Uraciluria; DPD DEFICIENCY; DPYD DEFICIENCY. Identifiers: Orphanet 1675, MedGen C1959620, MONDO:0010130, OMIM 274270.

Allele frequency attached by ClinVar (database versions not stated): ExAC 0.00371; ESP Exome Variant Server 0.01153; gnomAD 0.01237 and 0.01331; 1000 Genomes Project 0.01258; 1000 Genomes Project 30x 0.01343; TOPMed 0.01353.
gnomAD v4.1: 3,889 of 1,612,308 alleles (0.24%); highest among the groups gnomAD compares: African/African-American, 4.5%; 78 homozygotes.

Submissions (5):

Genome-Nilou Lab
Classification: Likely benign for Dihydropyrimidine dehydrogenase deficiency. Last evaluated: 2023-04-11. Review status: criteria provided, single submitter. Criteria: ACMG Guidelines, 2015. Collection method: clinical testing. Allele origin: germline. Affected: no.

Labcorp Genetics (formerly Invitae), Labcorp
Classification: Benign. Last evaluated: 2019-12-31. Review status: criteria provided, single submitter. Criteria: Invitae Variant Classification Sherloc (09022015). Collection method: clinical testing. Allele origin: germline.

Illumina Laboratory Services, Illumina
Classification: Likely benign for Dihydropyrimidine dehydrogenase deficiency. Last evaluated: 2018-01-12. Review status: criteria provided, single submitter. Criteria: ICSL Variant Classification Criteria 13 December 2019. Collection method: clinical testing. Allele origin: germline.
Comment: This variant was observed in the ICSL laboratory as part of a predisposition screen in an ostensibly healthy population. It had not been previously curated by ICSL or reported in the Human Gene Mutation Database (HGMD: prior to June 1st, 2018), and was therefore a candidate for classification through an automated scoring system. Utilizing variant allele frequency, disease prevalence and penetrance estimates, and inheritance mode, an automated score was calculated to assess if this variant is too frequent to cause the disease. Based on the score and internal cut-off values, a variant classified as likely benign is not then subjected to further curation. The score for this variant resulted in a classification of likely benign for this disease.

Athena Diagnostics
Classification: Benign. Last evaluated: 2017-09-07. Review status: criteria provided, single submitter. Criteria: Athena Diagnostics Criteria. Collection method: clinical testing. Allele origin: germline.

PreventionGenetics, part of Exact Sciences
Classification: Benign for DPYD-related condition. Last evaluated: 2019-05-17. Review status: no assertion criteria provided. Collection method: clinical testing. Allele origin: germline. Not counted in ClinVar's aggregate classification.
Comment: This variant is classified as benign based on ACMG/AMP sequence variant interpretation guidelines (Richards et al. 2015 PMID: 25741868, with internal and published modifications).

Literature cited by the submitters: PubMed 26804652 (cited by Athena Diagnostics).